The following is an entry in ClinVar:

NM_022124.6(CDH23):c.8724G>A (p.Gly2908=)

Gene: CDH23 (cadherin related 23; plus strand). Cytogenetic location: 10q22.1.
Variant type: single nucleotide variant.
Coding change: c.8724G>A on transcript NM_022124.6 (MANE Select); coding-DNA position 8724, G replaced by A.
Protein change: p.Gly2908=; no amino-acid change (glycine 2908 retained).
Molecular consequence: synonymous variant.
Genome position (GRCh38, 1-based): chr10:71,809,821, G>A. VCF-style: chr10-71809821-G-A. GRCh37 (hg19) VCF-style: chr10-73569578-G-A.
Other names: c.2004G>A, p.Gly668= (NM_001171933.1, NM_001171934.1); c.8724G>A (NM_022124.5).
Identifiers: ClinVar variation 1105658 (VCV001105658.11), dbSNP rs371638610, ClinGen allele CA5546734.

ClinVar aggregate classification (germline): Likely benign. Review status: criteria provided, multiple submitters, no conflicts (2 of 4 stars). 3 submissions from 3 submitters: Likely benign (3). Last evaluated 2026-01-15.

Conditions:
CDH23-related disorder. Also called: CDH23-related condition; CDH23-related disorders.

Allele frequency attached by ClinVar (database versions not stated): gnomAD exomes below 0.00001; TOPMed below 0.00001; ExAC 0.00001; gnomAD 0.00001; ESP Exome Variant Server 0.00008.
gnomAD v4.1: 5 of 1,611,470 alleles (0.00031%); highest among the groups gnomAD compares: African/African-American, 0.0027%; no homozygotes.

Submissions (3):

PreventionGenetics, part of Exact Sciences
Classification: Likely benign for CDH23-related condition. Last evaluated: 2026-01-15. Review status: criteria provided, single submitter. Criteria: ACMG Guidelines, 2015. Collection method: clinical testing. Allele origin: germline.
Comment: This variant is classified as likely benign based on ACMG/AMP sequence variant interpretation guidelines (Richards et al. 2015 PMID: 25741868, with internal and published modifications).

Labcorp Genetics (formerly Invitae), Labcorp
Classification: Likely benign. Last evaluated: 2025-02-04. Review status: criteria provided, single submitter. Criteria: Invitae Variant Classification Sherloc (09022015). Collection method: clinical testing. Allele origin: germline.

Blueprint Genetics
Classification: Likely benign. Last evaluated: 2022-10-28. Review status: criteria provided, single submitter. Criteria: ACMG Guidelines, 2015. Collection method: clinical testing. Allele origin: germline.